The following is an entry in ClinVar:

NM_001077365.2(POMT1):c.*635T>G

Gene: POMT1 (protein O-mannosyltransferase 1; plus strand). Cytogenetic location: 9q34.13.
Variant type: single nucleotide variant.
Coding change: c.*635T>G on transcript NM_001077365.2 (MANE Select); 635 bases downstream of the stop codon, T replaced by G.
Molecular consequence: 3 prime UTR variant. On other transcripts: non-coding transcript variant (10).
Genome position (GRCh38, 1-based): chr9:131,523,741, T>G. VCF-style: chr9-131523741-T-G. GRCh37 (hg19) VCF-style: chr9-134399128-T-G.
Other names: c.*635T>G (NM_001077366.2, NM_001136113.2, NM_001136114.2 and 15 more transcripts).
Identifiers: ClinVar variation 365298 (VCV000365298.35), dbSNP rs112845474, ClinGen allele CA10626607.
Genomic context (GRCh38, chr9:131,523,741, plus strand): 5'-TGAGACTCCACTGAGACGTGGCTGAGTGAAATCTTCCTCGTCAGTGGTCAAGGTGTGTCA[T>G]CCATACAGCTCCATGCCTTTGTCTTTTTTAAATGTAATTAAAAAAGGAACCAACTGGCGT-3'

ClinVar aggregate classification (germline): Conflicting classifications of pathogenicity. Review status: criteria provided, conflicting classifications (1 of 4 stars). 3 submissions from 3 submitters: Uncertain significance (2); Likely benign (1). Last evaluated 2023-06-01.

Conditions:
Autosomal recessive limb-girdle muscular dystrophy type 2K. Also called: MUSCULAR DYSTROPHY, LIMB-GIRDLE, TYPE 2K; MUSCULAR DYSTROPHY-DYSTROGLYCANOPATHY (LIMB-GIRDLE), TYPE C, 1. Identifiers: Orphanet 86812, MedGen C1836373, MONDO:0012248, OMIM 609308.

Allele frequency attached by ClinVar (database versions not stated): 1000 Genomes Project 30x 0.00078; gnomAD 0.00251 and 0.00260; TOPMed 0.00334; gnomAD exomes 0.00379.

Submissions (3):

CeGaT Center for Human Genetics Tuebingen
Classification: Likely benign. Last evaluated: 2023-06-01. Review status: criteria provided, single submitter. Criteria: CeGaT Center For Human Genetics Tuebingen Variant Classification Criteria Version 2. Collection method: clinical testing. Allele origin: germline. Affected: yes. Observed: 8 variant alleles.
Comment: POMT1: BS2

Illumina Laboratory Services, Illumina
Classification: Uncertain significance for Autosomal recessive limb-girdle muscular dystrophy type 2K. Last evaluated: 2018-01-13. Review status: criteria provided, single submitter. Criteria: ICSL Variant Classification Criteria 13 December 2019. Collection method: clinical testing. Allele origin: germline.

Breakthrough Genomics
Classification: Uncertain significance. Review status: criteria provided, single submitter. Criteria: ACMG Guidelines, 2015. Collection method: not provided. Allele origin: germline. Inheritance: Autosomal recessive inheritance. Affected: yes.